The following is an entry in ClinVar:

ClinVar aggregate classification (germline): Uncertain significance (1 of 4 stars; one submission).

Submission:

Labcorp Genetics (formerly Invitae), Labcorp
Classification: Uncertain significance. Last evaluated: 2022-07-30. Review status: criteria provided, single submitter. Criteria: Invitae Variant Classification Sherloc (09022015). Collection method: clinical testing. Allele origin: germline.
Comment: This sequence change affects codon 2645 of the FBN3 mRNA. It is a 'silent' change, meaning that it does not change the encoded amino acid sequence of the FBN3 protein. This variant is not present in population databases (gnomAD no frequency). In summary, the available evidence is currently insufficient to determine the role of this variant in disease. Therefore, it has been classified as a Variant of Uncertain Significance. Algorithms developed to predict the effect of sequence changes on RNA splicing suggest that this variant may disrupt the consensus splice site. This variant has not been reported in the literature in individuals affected with FBN3-related conditions.

NM_032447.5(FBN3):c.7935A>G (p.Gln2645=)

Gene: FBN3 (fibrillin 3; minus strand). Cytogenetic location: 19p13.2.
Variant type: single nucleotide variant.
Coding change: c.7935A>G on transcript NM_032447.5 (MANE Select); coding-DNA position 7935, A replaced by G.
Protein change: p.Gln2645=; no amino-acid change (glutamine 2645 retained).
Molecular consequence: synonymous variant.
Genome position (GRCh38, 1-based): chr19:8,073,065, T>C on the plus strand (A>G on the coding strand, the complement: FBN3 is on the minus strand). VCF-style: chr19-8073065-T-C. GRCh37 (hg19) VCF-style: chr19-8137949-T-C.
Other names: c.7935A>G, p.Gln2645= (NM_001321431.2).
Identifiers: ClinVar variation 2020757 (VCV002020757.4), dbSNP rs2512529705, ClinGen allele CA505416195.